The following is an entry in ClinVar:

ClinVar aggregate classification (germline): Pathogenic (1 of 4 stars; one submission).

Conditions:
CHARGE syndrome (CHARGE). Also called: Hittner Hirsch Kreh syndrome; CHARGE ASSOCIATION--COLOBOMA, HEART ANOMALY, CHOANAL ATRESIA, RETARDATION, GENITAL AND EAR ANOMALIES; Coloboma, heart anomaly, choanal atresia, retardation, genital and ear anomalies; CHARGE association; Hall-Hittner syndrome. Identifiers: Orphanet 138, MedGen C0265354, MONDO:0008965.

Submission:

Labcorp Genetics (formerly Invitae), Labcorp
Classification: Pathogenic for CHARGE syndrome. Last evaluated: 2022-05-25. Review status: criteria provided, single submitter. Criteria: Invitae Variant Classification Sherloc (09022015). Collection method: clinical testing. Allele origin: germline.
Comment: For these reasons, this variant has been classified as Pathogenic. This variant has not been reported in the literature in individuals affected with CHD7-related conditions. This variant is not present in population databases (gnomAD no frequency). This sequence change creates a premature translational stop signal (p.Met2421Argfs*22) in the CHD7 gene. It is expected to result in an absent or disrupted protein product. Loss-of-function variants in CHD7 are known to be pathogenic (PMID: 22461308, 25077900).

Literature cited by the submitters: PubMed 22461308; PubMed 25077900.

NM_017780.4(CHD7):c.7262del (p.Met2421fs)

Gene: CHD7 (chromodomain helicase DNA binding protein 7; plus strand). Cytogenetic location: 8q12.2.
Variant type: Deletion.
Coding change: c.7262del on transcript NM_017780.4 (MANE Select); coding-DNA position 7262, one base deleted (T; older notation c.7262delT).
Protein change: p.Met2421fs; shifts the reading frame from methionine 2421.
Molecular consequence: frameshift variant. On other transcripts: intron variant (1).
Genome position (GRCh38, 1-based): chr8:60,856,542, T deleted. VCF-style (leftmost placement, unchanged base first): chr8-60856541-AT-A. GRCh37 (hg19) VCF-style: chr8-61769100-AT-A.
Other names: c.1717-5687del (NM_001316690.1); short protein forms M2421fs.
Identifiers: ClinVar variation 1998549 (VCV001998549.4), dbSNP rs2488073459, ClinGen allele CA2580078882.
Genomic context (GRCh38, chr8:60,856,541, plus strand): 5'-AGGAGGAGGAGGAGAAAAATCGAAATTGAGGCCGAAAGAGCTGCCAAGAGGCGAAATCTC[AT>A]GGAGATGGTTGCCCAGCTTCGAGAGTCTCAGGTGGTCTCAGAAAATGGACAAGAAAAAGT-3'